The following is an entry in ClinVar:

ClinVar aggregate classification (germline): Uncertain significance. Review status: criteria provided, multiple submitters, no conflicts (2 of 4 stars). 2 submissions from 2 submitters: Uncertain significance (2). Last evaluated 2024-12-21.

Conditions:
Inborn genetic diseases. Identifiers: MedGen C0950123, MeSH D030342.

Allele frequency attached by ClinVar (database versions not stated): TOPMed 0.00001; gnomAD 0.00001; gnomAD exomes 0.00001.
gnomAD v4.1: 14 of 1,614,002 alleles (0.00087%); highest among the groups gnomAD compares: Admixed American, 0.018%; no homozygotes.

Submissions (2):

Ambry Genetics
Classification: Uncertain significance for Inborn genetic diseases. Last evaluated: 2024-12-21. Review status: criteria provided, single submitter. Criteria: Ambry Variant Classification Scheme 2023. Collection method: clinical testing. Allele origin: germline.

Labcorp Genetics (formerly Invitae), Labcorp
Classification: Uncertain significance. Last evaluated: 2022-04-18. Review status: criteria provided, single submitter. Criteria: Invitae Variant Classification Sherloc (09022015). Collection method: clinical testing. Allele origin: germline.
Comment: In summary, the available evidence is currently insufficient to determine the role of this variant in disease. Therefore, it has been classified as a Variant of Uncertain Significance. Algorithms developed to predict the effect of sequence changes on RNA splicing suggest that this variant may create or strengthen a splice site. Algorithms developed to predict the effect of missense changes on protein structure and function are either unavailable or do not agree on the potential impact of this missense change (SIFT: "Tolerated"; PolyPhen-2: "Possibly Damaging"; Align-GVGD: "Class C0"). This variant has not been reported in the literature in individuals affected with MFSD2A-related conditions. This variant is present in population databases (no rsID available, gnomAD 0.006%). This sequence change replaces serine, which is neutral and polar, with cysteine, which is neutral and slightly polar, at codon 289 of the MFSD2A protein (p.Ser289Cys).

NM_032793.5(MFSD2A):c.827C>G (p.Ser276Cys)

Gene: MFSD2A (MFSD2 lysolipid transporter A, lysophospholipid; plus strand). Cytogenetic location: 1p34.2.
Variant type: single nucleotide variant.
Coding change: c.827C>G on transcript NM_032793.5 (MANE Select); coding-DNA position 827, C replaced by G.
Protein change: p.Ser276Cys; replaces serine 276 with cysteine.
Molecular consequence: missense variant. On other transcripts: non-coding transcript variant (1).
Genome position (GRCh38, 1-based): chr1:39,966,832, C>G. VCF-style: chr1-39966832-C-G. GRCh37 (hg19) VCF-style: chr1-40432504-C-G.
Other names: c.866C>G (NM_001136493.1); c.866C>G, p.Ser289Cys (NM_001136493.3); c.359C>G, p.Ser120Cys (NM_001287808.2); c.710C>G, p.Ser237Cys (NM_001287809.2); c.821C>G, p.Ser274Cys (NM_001349821.2); c.827C>G, p.Ser276Cys (NM_001349822.2); c.482C>G, p.Ser161Cys (NM_001349823.2); short protein forms S276C, S161C, S237C, S274C, S289C, S120C.
Identifiers: ClinVar variation 2163182 (VCV002163182.5), dbSNP rs1162518510, ClinGen allele CA339836950.
Genomic context (GRCh38, chr1:39,966,832, plus strand): 5'-GGTCTCTGCTCCTTCCTCACTGTCCGCTCTGGCCCCCAGAACCCTATGAAGCCCAGCAGT[C>G]TGAGCCAATCGCCTACTTCCGGGGCCTACGGCTGGTCATGAGCCACGGCCCATACATCAA-3'
Protein context (NP_116182.2, residues 266-286): EQREPYEAQQ[Ser276Cys]EPIAYFRGLR